The following is an entry in ClinVar:

NM_004369.4(COL6A3):c.1235A>G (p.Gln412Arg)

Gene: COL6A3 (collagen type VI alpha 3 chain; minus strand). Cytogenetic location: 2q37.3.
Variant type: single nucleotide variant.
Coding change: c.1235A>G on transcript NM_004369.4 (MANE Select); coding-DNA position 1235, A replaced by G.
Protein change: p.Gln412Arg; replaces glutamine 412 with arginine.
Molecular consequence: missense variant. On other transcripts: intron variant (2).
Genome position (GRCh38, 1-based): chr2:237,387,659, T>C on the plus strand (A>G on the coding strand, the complement: COL6A3 is on the minus strand). VCF-style: chr2-237387659-T-C. GRCh37 (hg19) VCF-style: chr2-238296302-T-C.
Other names: c.617A>G, p.Gln206Arg (NM_057165.5, NM_057167.4); c.92-6160A>G (NM_057166.5, NM_057164.5); short protein forms Q206R, Q412R.
Identifiers: ClinVar variation 4802518 (VCV004802518.1).

ClinVar aggregate classification (germline): Uncertain significance (1 of 4 stars; one submission).

Conditions:
Bethlem myopathy 1A. Also called: MYOPATHY, BENIGN CONGENITAL, WITH CONTRACTURES; Bethlem myopathy 1; Bethlem Muscular Dystrophy. Identifiers: Orphanet 610, MedGen CN029274, MONDO:0024530, OMIM 158810.

Submission:

Labcorp Genetics (formerly Invitae), Labcorp
Classification: Uncertain significance for Bethlem myopathy 1A. Last evaluated: 2025-08-18. Review status: criteria provided, single submitter. Criteria: Invitae Variant Classification Sherloc (09022015). Collection method: clinical testing. Allele origin: germline.
Comment: This sequence change replaces glutamine, which is neutral and polar, with arginine, which is basic and polar, at codon 412 of the COL6A3 protein (p.Gln412Arg). This variant is not present in population databases (gnomAD no frequency). This variant has not been reported in the literature in individuals affected with COL6A3-related conditions. Invitae Evidence Modeling of protein sequence and biophysical properties (such as structural, functional, and spatial information, amino acid conservation, physicochemical variation, residue mobility, and thermodynamic stability) indicates that this missense variant is not expected to disrupt COL6A3 protein function with a negative predictive value of 95%. In summary, the available evidence is currently insufficient to determine the role of this variant in disease. Therefore, it has been classified as a Variant of Uncertain Significance.